The following is an entry in ClinVar:

NM_000179.3(MSH6):c.1159G>A (p.Asp387Asn)

Gene: MSH6 (mutS homolog 6; plus strand). Cytogenetic location: 2p16.3.
Variant type: single nucleotide variant.
Coding change: c.1159G>A on transcript NM_000179.3 (MANE Select); coding-DNA position 1159, G replaced by A.
Protein change: p.Asp387Asn; replaces aspartic acid 387 with asparagine.
Molecular consequence: missense variant.
Genome position (GRCh38, 1-based): chr2:47,799,142, G>A. VCF-style: chr2-47799142-G-A. GRCh37 (hg19) VCF-style: chr2-48026281-G-A.
Other names: c.769G>A, p.Asp257Asn (NM_001281492.2); c.253G>A, p.Asp85Asn (NM_001281493.2, NM_001281494.2); short protein forms D387N, D257N, D85N.
Identifiers: ClinVar variation 410483 (VCV000410483.21), dbSNP rs746532720, ClinGen allele CA16611118.

ClinVar aggregate classification (germline): Conflicting classifications of pathogenicity. Review status: criteria provided, conflicting classifications (1 of 4 stars). 4 submissions from 4 submitters: Uncertain significance (3); Likely benign (1). Last evaluated 2025-11-25.

Conditions:
Endometrial carcinoma. Also called: Endometrial carcinoma, somatic. Identifiers: MedGen C0476089, MONDO:0002447, OMIM 608089, HP:0012114.
Hereditary cancer-predisposing syndrome. Also called: Tumor predisposition; Hereditary Cancer Syndrome; Hereditary neoplastic syndrome; Neoplastic Syndromes, Hereditary. Identifiers: Orphanet 140162, MedGen C0027672, MeSH D009386, MONDO:0015356.
Hereditary nonpolyposis colorectal neoplasms. Identifiers: MedGen C0009405, MeSH D003123.

Allele frequency attached by ClinVar (database versions not stated): TOPMed 0.00003.
gnomAD v4.1: 3 of 1,613,698 alleles (0.00019%); highest among the groups gnomAD compares: East Asian, 0.0067%; no homozygotes.

Submissions (4):

Color Diagnostics, LLC DBA Color Health
Classification: Uncertain significance for Hereditary cancer-predisposing syndrome. Last evaluated: 2025-11-25. Review status: criteria provided, single submitter. Criteria: ACMG Guidelines, 2015. Collection method: clinical testing. Allele origin: germline.
Comment: This missense variant replaces aspartic acid with asparagine at codon 387 of the MSH6 protein. Computational prediction suggests that this variant may not impact protein structure and function. To our knowledge, functional studies have not been reported for this variant. This variant has not been reported in individuals affected with MSH6-related disorders in the literature. This variant has been identified in 3/1613698 chromosomes in the general population by the Genome Aggregation Database (gnomAD). The available evidence is insufficient to determine the role of this variant in disease conclusively. Therefore, this variant is classified as a Variant of Uncertain Significance.

Labcorp Genetics (formerly Invitae), Labcorp
Classification: Uncertain significance for Hereditary nonpolyposis colorectal neoplasms. Last evaluated: 2025-11-10. Review status: criteria provided, single submitter. Criteria: Invitae Variant Classification Sherloc (09022015). Collection method: clinical testing. Allele origin: germline.
Comment: This sequence change replaces aspartic acid, which is acidic and polar, with asparagine, which is neutral and polar, at codon 387 of the MSH6 protein (p.Asp387Asn). This variant is not present in population databases (gnomAD no frequency). This missense change has been observed in individual(s) with breast cancer (PMID: 35449176). ClinVar contains an entry for this variant (Variation ID: 410483). Invitae Evidence Modeling of protein sequence and biophysical properties (such as structural, functional, and spatial information, amino acid conservation, physicochemical variation, residue mobility, and thermodynamic stability) indicates that this missense variant is not expected to disrupt MSH6 protein function with a negative predictive value of 95%. In summary, the available evidence is currently insufficient to determine the role of this variant in disease. Therefore, it has been classified as a Variant of Uncertain Significance.

Ambry Genetics
Classification: Likely benign for Hereditary cancer-predisposing syndrome. Last evaluated: 2024-12-10. Review status: criteria provided, single submitter. Criteria: Ambry Variant Classification Scheme 2023. Collection method: clinical testing. Allele origin: germline.

Baylor Genetics
Classification: Uncertain significance for Endometrial carcinoma. Last evaluated: 2023-09-19. Review status: criteria provided, single submitter. Criteria: ACMG Guidelines, 2015. Collection method: clinical testing. Allele origin: unknown.

Literature cited by the submitters: PubMed 35449176 (cited by Labcorp Genetics (formerly Invitae), Labcorp).